The following is an entry in ClinVar:

ClinVar aggregate classification (germline): Conflicting classifications of pathogenicity. Review status: criteria provided, conflicting classifications (1 of 4 stars). 2 submissions from 2 submitters: Uncertain significance (1); Likely benign (1). Last evaluated 2025-04-09.

Conditions:
Inborn genetic diseases. Identifiers: MedGen C0950123, MeSH D030342.

Allele frequency attached by ClinVar (database versions not stated): gnomAD 0.00002; gnomAD exomes 0.00004.

Submissions (2):

Ambry Genetics
Classification: Likely benign for Inborn genetic diseases. Last evaluated: 2025-04-09. Review status: criteria provided, single submitter. Criteria: Ambry Variant Classification Scheme 2023. Collection method: clinical testing. Allele origin: germline.

Labcorp Genetics (formerly Invitae), Labcorp
Classification: Uncertain significance. Last evaluated: 2025-01-27. Review status: criteria provided, single submitter. Criteria: Invitae Variant Classification Sherloc (09022015). Collection method: clinical testing. Allele origin: germline.
Comment: This sequence change replaces proline, which is neutral and non-polar, with serine, which is neutral and polar, at codon 628 of the KMT2B protein (p.Pro628Ser). The frequency data for this variant in the population databases is considered unreliable, as metrics indicate poor data quality at this position in the gnomAD database. This variant has not been reported in the literature in individuals affected with KMT2B-related conditions. ClinVar contains an entry for this variant (Variation ID: 2716188). Invitae Evidence Modeling of protein sequence and biophysical properties (such as structural, functional, and spatial information, amino acid conservation, physicochemical variation, residue mobility, and thermodynamic stability) indicates that this missense variant is not expected to disrupt KMT2B protein function with a negative predictive value of 80%. In summary, the available evidence is currently insufficient to determine the role of this variant in disease. Therefore, it has been classified as a Variant of Uncertain Significance.

NM_014727.3(KMT2B):c.1882C>T (p.Pro628Ser)

Gene: KMT2B (lysine methyltransferase 2B; plus strand). Cytogenetic location: 19q13.12.
Variant type: single nucleotide variant.
Coding change: c.1882C>T on transcript NM_014727.3 (MANE Select); coding-DNA position 1882, C replaced by T.
Protein change: p.Pro628Ser; replaces proline 628 with serine.
Molecular consequence: missense variant.
Genome position (GRCh38, 1-based): chr19:35,721,229, C>T. VCF-style: chr19-35721229-C-T. GRCh37 (hg19) VCF-style: chr19-36212131-C-T.
Other names: c.1882C>T (NM_014727.1); short protein forms P628S.
Identifiers: ClinVar variation 2716188 (VCV002716188.3), dbSNP rs1042932501, ClinGen allele CA307783307.